The following is an entry in ClinVar:

ClinVar aggregate classification (germline): Likely benign (1 of 4 stars; one submission).

Submission:

CeGaT Center for Human Genetics Tuebingen
Classification: Likely benign. Last evaluated: 2023-01-01. Review status: criteria provided, single submitter. Criteria: CeGaT Center For Human Genetics Tuebingen Variant Classification Criteria Version 2. Collection method: clinical testing. Allele origin: germline. Affected: yes. Observed: 1 variant allele.
Comment: RGS9BP: PM2:Supporting, BP4, BP7

NM_207391.3(RGS9BP):c.606C>T (p.Arg202=)

Gene: RGS9BP (regulator of G protein signaling 9 binding protein; plus strand). Cytogenetic location: 19q13.11.
Variant type: single nucleotide variant.
Coding change: c.606C>T on transcript NM_207391.3 (MANE Select); coding-DNA position 606, C replaced by T.
Protein change: p.Arg202=; no amino-acid change (arginine 202 retained).
Molecular consequence: synonymous variant.
Genome position (GRCh38, 1-based): chr19:32,676,869, C>T. VCF-style: chr19-32676869-C-T. GRCh37 (hg19) VCF-style: chr19-33167775-C-T.
Identifiers: ClinVar variation 2649684 (VCV002649684.24), dbSNP rs2513250191, ClinGen allele CA506994241.